The following is an entry in ClinVar:

NM_014727.3(KMT2B):c.7301C>T (p.Ala2434Val)

Gene: KMT2B (lysine methyltransferase 2B; plus strand). Cytogenetic location: 19q13.12.
Variant type: single nucleotide variant.
Coding change: c.7301C>T on transcript NM_014727.3 (MANE Select); coding-DNA position 7301, C replaced by T.
Protein change: p.Ala2434Val; replaces alanine 2434 with valine.
Molecular consequence: missense variant.
Genome position (GRCh38, 1-based): chr19:35,736,915, C>T. VCF-style: chr19-35736915-C-T. GRCh37 (hg19) VCF-style: chr19-36227816-C-T.
Other names: short protein forms A2434V.
Identifiers: ClinVar variation 4070707 (VCV004070707.1).
Genomic context (GRCh38, chr19:35,736,915, plus strand): 5'-GGGAGAGTGTCCATAAAACACCATCCTGACTCAGCTCTGGCTCTGCTGTCTCCCCAGGGG[C>T]GTGGAGAACTCTGATCGAGAAAGTGCAAGAGGCCCGAGGGCATGCCCGACTCAGACATCT-3'
Protein context (NP_055542.1, residues 2424-2444): FSVEAESLEG[Ala2434Val]WRTLIEKVQE

ClinVar aggregate classification (germline): Uncertain significance (1 of 4 stars; one submission).

gnomAD v4.1: 1 of 1,613,894 alleles (0.000062%); highest among the groups gnomAD compares: Non-Finnish European, 0.000085%; no homozygotes.

Submission:

GeneDx
Classification: Uncertain significance. Last evaluated: 2025-01-16. Review status: criteria provided, single submitter. Criteria: GeneDx Variant Classification Process June 2021. Collection method: clinical testing. Allele origin: germline. Affected: yes.
Comment: Not observed at significant frequency in large population cohorts (gnomAD); In silico analysis supports that this missense variant has a deleterious effect on protein structure/function; Has not been previously published as pathogenic or benign to our knowledge